The following is an entry in ClinVar:

ClinVar aggregate classification (germline): Likely benign. Review status: criteria provided, multiple submitters, no conflicts (2 of 4 stars). 3 submissions from 3 submitters: Likely benign (3). Last evaluated 2025-01-13.

Conditions:
Cardiovascular phenotype. Identifiers: MedGen CN230736.
RASopathy. Also called: rasopathies; Noonan spectrum disorder. Identifiers: Orphanet 536391, MedGen C5555857, MONDO:0021060.

Allele frequency attached by ClinVar (database versions not stated): gnomAD exomes below 0.00001; TOPMed 0.00001.
gnomAD v4.1: 2 of 1,614,024 alleles (0.00012%); highest among the groups gnomAD compares: Non-Finnish European, 0.00017%; no homozygotes.

Submissions (3):

Ambry Genetics
Classification: Likely benign for Cardiovascular phenotype. Last evaluated: 2025-01-13. Review status: criteria provided, single submitter. Criteria: Ambry Variant Classification Scheme 2023. Collection method: clinical testing. Allele origin: germline.

Labcorp Genetics (formerly Invitae), Labcorp
Classification: Likely benign for RASopathy. Last evaluated: 2024-11-22. Review status: criteria provided, single submitter. Criteria: Invitae Variant Classification Sherloc (09022015). Collection method: clinical testing. Allele origin: germline.

CeGaT Center for Human Genetics Tuebingen
Classification: Likely benign. Last evaluated: 2022-06-01. Review status: criteria provided, single submitter. Criteria: CeGaT Center For Human Genetics Tuebingen Variant Classification Criteria Version 2. Collection method: clinical testing. Allele origin: germline. Affected: yes. Observed: 1 variant allele.
Comment: PTPN11: PM2:Supporting, BP4, BP7

NM_002834.5(PTPN11):c.432T>C (p.Pro144=)

Gene: PTPN11 (protein tyrosine phosphatase non-receptor type 11; plus strand). Cytogenetic location: 12q24.13.
Variant type: single nucleotide variant.
Coding change: c.432T>C on transcript NM_002834.5 (MANE Select); coding-DNA position 432, T replaced by C.
Protein change: p.Pro144=; no amino-acid change (proline 144 retained).
Molecular consequence: synonymous variant.
Genome position (GRCh38, 1-based): chr12:112,453,294, T>C. VCF-style: chr12-112453294-T-C. GRCh37 (hg19) VCF-style: chr12-112891098-T-C.
Other names: c.432T>C, p.Pro144= (NM_001330437.2, NM_080601.3); c.429T>C, p.Pro143= (NM_001374625.1).
Identifiers: ClinVar variation 2643340 (VCV002643340.27), dbSNP rs758194931, ClinGen allele CA243708214.